The following is an entry in ClinVar:

ClinVar aggregate classification (germline): Pathogenic (1 of 4 stars; one submission).

Conditions:
Autosomal dominant Kenny-Caffey syndrome. Also called: Kenny-Caffey syndrome type 2. Identifiers: Orphanet 2333, Orphanet 93325, MedGen C4316787, MONDO:0007478, OMIM 127000.

Submission:

Rare Disease Research and Therapeutics Development Group, Institute of Molecular Genetics and Genetic Engineering, University of Belgrade
Classification: Pathogenic for Autosomal dominant Kenny-Caffey syndrome. Last evaluated: 2026-02-27. Review status: criteria provided, single submitter. Criteria: ACMG Guidelines, 2015. Collection method: clinical testing. Allele origin: de novo. Inheritance: Autosomal dominant inheritance. Affected: yes. Observed: 1 variant allele, 1 heterozygote. Study: BRIDGING-RD.
Comment: This is a rare variant, previously not found in the databases of healthy people, such as gnomAD exomes and gnomAD genomes. The 541 amino acid residue is highly conserved across species, implying its important role in the protein. Furthermore, different computational predictor tools unambiguously predicted that a serine-to-proline substitution at the 541 amino acid residue must have a deleterious effect upon the structure of the FAM111A protein (e.g., REVEL score 0.831, ClinPred score 0.9988 and MetaRNN score 0.8837, etc.). The three-dimensional molecular model of the FAM111A protein clearly shows that a change at p.Ser541 affects the catalytic triad composed of Asp439-His385-Ser541 (DOI 10.3390/diseases14030091). In addition to p.Ser541Pro, another pathogenic missense change at the same amino acid residue, p.Ser541Tyr, had been previously reported (doi: 10.1186/s13633-016-0041-7). Moreover, recent structural studies of the FAM111A protein have highlighted the crucial functional importance of the Ser541 residue, which forms part of the catalytic machinery of the C-terminal trypsin-like protease domain [39]. Based on all presented evidences, the variants’ rarity in a healthy population (PM2), its phenotypic specificity (PP4 and PP5), the de novo occurrence with both maternity and paternity confirmed (PS2), computational evidences (PP3), and the functional relevance of the affected residue (PS3 and PM5), the variant was classified as pathogenic according to ACMG/AMP criteria.

Literature cited by the submitters: DOI 10.3390/diseases14030091; DOI 10.1038/s41467-024-46207-w; DOI 10.1186/s13633-016-0041-7.

NM_001312909.2(FAM111A):c.1621T>C (p.Ser541Pro)

Gene: FAM111A (FAM111 trypsin like peptidase A; plus strand). Cytogenetic location: 11q12.1.
Variant type: single nucleotide variant.
Coding change: c.1621T>C on transcript NM_001312909.2 (MANE Select); coding-DNA position 1621, T replaced by C.
Protein change: p.Ser541Pro; replaces serine 541 with proline.
Molecular consequence: missense variant.
Genome position (GRCh38, 1-based): chr11:59,153,289, T>C. VCF-style: chr11-59153289-T-C. GRCh37 (hg19) VCF-style: chr11-58920762-T-C.
Other names: c.1621T>C, p.Ser541Pro (NM_001142519.3, NM_001142520.3, NM_001142521.3 and 29 more transcripts); short protein forms S541P.
Identifiers: ClinVar variation 4845229 (VCV004845229.1).